The following is an entry in ClinVar:

ClinVar aggregate classification (germline): Uncertain significance. Review status: criteria provided, multiple submitters, no conflicts (2 of 4 stars). 2 submissions from 2 submitters: Uncertain significance (2). Last evaluated 2022-05-26.

Conditions:
Proteinuria, chronic benign. Identifiers: MedGen C5394384, MONDO:0030042, OMIM 618884.
Imerslund-Grasbeck syndrome type 1 (IGS1). Also called: Megaloblastic anemia 1, Finnish type; Imerslund-Gräsbeck syndrome 1; MEGALOBLASTIC ANEMIA, 1. Identifiers: MedGen C4016819, MONDO:0100156, OMIM 261100.
Imerslund-Grasbeck syndrome. Also called: Imerslund-Gräsbeck syndrome; ENTEROCYTE COBALAMIN MALABSORPTION; ENTEROCYTE INTRINSIC FACTOR RECEPTOR, DEFECT OF; PERNICIOUS ANEMIA, JUVENILE, DUE TO SELECTIVE INTESTINAL MALABSORPTION OF VITAMIN B12, WITH PROTEINURIA; Megaloblastic anemia due to inborn errors of metabolism. Identifiers: Orphanet 35858, MedGen C4551825, MONDO:0009853.

Allele frequency attached by ClinVar (database versions not stated): gnomAD exomes 0.00006 and 0.00004; ExAC 0.00007; gnomAD 0.00001.
gnomAD v4.1: 63 of 1,605,574 alleles (0.0039%); highest among the groups gnomAD compares: South Asian, 0.069%; no homozygotes.

Submissions (2):

Fulgent Genetics
Classification: Uncertain significance for Imerslund-Grasbeck syndrome type 1; Proteinuria, chronic benign. Last evaluated: 2022-05-26. Review status: criteria provided, single submitter. Criteria: ACMG Guidelines, 2015. Collection method: clinical testing. Allele origin: unknown.

Labcorp Genetics (formerly Invitae), Labcorp
Classification: Uncertain significance for Imerslund-Grasbeck syndrome. Last evaluated: 2020-01-27. Review status: criteria provided, single submitter. Criteria: Invitae Variant Classification Sherloc (09022015). Collection method: clinical testing. Allele origin: germline.
Comment: In summary, the available evidence is currently insufficient to determine the role of this variant in disease. Therefore, it has been classified as a Variant of Uncertain Significance. Algorithms developed to predict the effect of missense changes on protein structure and function (SIFT, PolyPhen-2, Align-GVGD) all suggest that this variant is likely to be tolerated, but these predictions have not been confirmed by published functional studies and their clinical significance is uncertain. This variant has not been reported in the literature in individuals with CUBN-related conditions. This variant is present in population databases (rs755819982, ExAC 0.05%). This sequence change replaces phenylalanine with leucine at codon 2686 of the CUBN protein (p.Phe2686Leu). The phenylalanine residue is highly conserved and there is a small physicochemical difference between phenylalanine and leucine.

NM_001081.4(CUBN):c.8056T>C (p.Phe2686Leu)

Gene: CUBN (cubilin; minus strand). Cytogenetic location: 10p13.
Variant type: single nucleotide variant.
Coding change: c.8056T>C on transcript NM_001081.4 (MANE Select); coding-DNA position 8056, T replaced by C.
Protein change: p.Phe2686Leu; replaces phenylalanine 2686 with leucine.
Molecular consequence: missense variant.
Genome position (GRCh38, 1-based): chr10:16,903,972, A>G on the plus strand (T>C on the coding strand, the complement: CUBN is on the minus strand). VCF-style: chr10-16903972-A-G. GRCh37 (hg19) VCF-style: chr10-16945971-A-G.
Other names: short protein forms F2686L.
Identifiers: ClinVar variation 1002884 (VCV001002884.10), dbSNP rs755819982, ClinGen allele CA5423162.
Genomic context (GRCh38, chr10:16,903,972, plus strand): 5'-AAAATCATTAATCTTTATAAGTAATTTTATCAAGATCTTAATTATAATTCTTACCTGTAA[A>G]GGAATACTTTGCATGGAATCCAATGTGTTCTACACGTTCGTTGGTGACAAAGTGAATCCA-3'
Protein context (NP_001072.2, residues 2676-2696): EHIGFHAKYS[Phe2686Leu]TDCGGIQIGD